The following is an entry in ClinVar:

ClinVar aggregate classification (germline): Uncertain significance (1 of 4 stars; one submission).

Conditions:
Charcot-Marie-Tooth disease type 2. Also called: Charcot-Marie-Tooth type 2. Identifiers: Orphanet 64746, MedGen C0270914, MONDO:0018993.

Submission:

Labcorp Genetics (formerly Invitae), Labcorp
Classification: Uncertain significance for Charcot-Marie-Tooth disease type 2. Last evaluated: 2024-12-24. Review status: criteria provided, single submitter. Criteria: Invitae Variant Classification Sherloc (09022015). Collection method: clinical testing. Allele origin: germline.
Comment: This sequence change replaces valine, which is neutral and non-polar, with leucine, which is neutral and non-polar, at codon 549 of the LMNA protein (p.Val549Leu). This variant is not present in population databases (gnomAD no frequency). This variant has not been reported in the literature in individuals affected with LMNA-related conditions. Invitae Evidence Modeling of protein sequence and biophysical properties (such as structural, functional, and spatial information, amino acid conservation, physicochemical variation, residue mobility, and thermodynamic stability) indicates that this missense variant is expected to disrupt LMNA protein function with a positive predictive value of 95%. In summary, the available evidence is currently insufficient to determine the role of this variant in disease. Therefore, it has been classified as a Variant of Uncertain Significance.

NM_170707.4(LMNA):c.1645G>C (p.Val549Leu)

Gene: LMNA (lamin A/C; plus strand). Cytogenetic location: 1q22.
Variant type: single nucleotide variant.
Coding change: c.1645G>C on transcript NM_170707.4 (MANE Select); coding-DNA position 1645, G replaced by C.
Protein change: p.Val549Leu; replaces valine 549 with leucine.
Molecular consequence: missense variant. On other transcripts: intron variant (1).
Genome position (GRCh38, 1-based): chr1:156,137,690, G>C. VCF-style: chr1-156137690-G-C. GRCh37 (hg19) VCF-style: chr1-156107481-G-C.
Other names: c.1309G>C, p.Val437Leu (NM_001257374.3, NM_001406989.1, NM_001406998.1); c.1402G>C, p.Val468Leu (NM_001282624.2, NM_001406986.1, NM_001406987.1); c.1645G>C, p.Val549Leu (NM_001282625.2, NM_001282626.2, NM_001406983.1 and 5 more transcripts); c.1348G>C, p.Val450Leu (NM_001406988.1); c.1087G>C, p.Val363Leu (NM_001406990.1, NM_001406993.1, NM_001406995.1 and 4 more transcripts); c.1021G>C, p.Val341Leu (NM_001406994.1, NM_001406999.1, NM_001407000.1 and 1 more transcripts); c.1608+458G>C (NM_170708.4); short protein forms V468L, V341L, V363L, V437L, V549L, V450L.
Identifiers: ClinVar variation 3663166 (VCV003663166.2).
Genomic context (GRCh38, chr1:156,137,690, plus strand): 5'-GACCTGGTTCCATGTCCCCACCAGGAAGTGGCCATGCGCAAGCTGGTGCGCTCAGTGACT[G>C]TGGTTGAGGACGACGAGGATGAGGATGGAGATGACCTGCTCCATCACCACCACGTGAGTG-3'
Protein context (NP_733821.1, residues 539-559): AMRKLVRSVT[Val549Leu]VEDDEDEDGD